The following is an entry in ClinVar:

NM_032208.3(ANTXR1):c.568del (p.Arg190fs)

Gene: ANTXR1 (ANTXR cell adhesion molecule 1; plus strand). Cytogenetic location: 2p13.3.
Variant type: Deletion.
Coding change: c.568del on transcript NM_032208.3 (MANE Select); coding-DNA position 568, one base deleted (C; older notation c.568delC).
Protein change: p.Arg190fs; shifts the reading frame from arginine 190.
Molecular consequence: frameshift variant.
Genome position (GRCh38, 1-based): chr2:69,077,414, C deleted; the last of 3 consecutive C bases (chr2:69,077,412-69,077,414); deleting any one gives the same sequence. VCF-style (leftmost placement, unchanged base first): chr2-69077411-GC-G. GRCh37 (hg19) VCF-style: chr2-69304543-GC-G.
Other names: c.568del, p.Arg190fs (NM_001410840.1, NM_018153.3, NM_053034.2); short protein forms R190fs.
Identifiers: ClinVar variation 2671784 (VCV002671784.1), dbSNP rs2467204055, ClinGen allele CA2695200809.
Genomic context (GRCh38, chr2:69,077,411, plus strand): 5'-TTCCACATCCAAGCCTAACAGTCTCCCCATGTGTTTGTGTATTTGCTGTGTTCTCAGCTG[GC>G]CCGGATTGCGGACAGTAAGGATCATGTGTTTCCCGTGAATGACGGCTTTCAGGCTCTGCA-3'

ClinVar aggregate classification (germline): Likely pathogenic (1 of 4 stars; one submission).

Conditions:
GAPO syndrome. Identifiers: Orphanet 2067, MedGen C0406723, MONDO:0009263, OMIM 230740.

Submission:

Neuberg Centre For Genomic Medicine, NCGM
Classification: Likely pathogenic for GAPO syndrome. Last evaluated: 2023-02-14. Review status: criteria provided, single submitter. Criteria: ACMG Guidelines, 2015. Collection method: clinical testing. Allele origin: germline. Inheritance: Autosomal recessive inheritance. Affected: yes.
Comment: The frameshift c.568del(p.Arg190GlyfsTer12) variant in ANTXR1 gene has not been reported previously as a pathogenic variant nor a benign variant, to our knowledge. The p.Arg190GlyfsTer12 variant is novel (not in any individuals) in gnomAD Exomes and 1000 Genomes. This variant has not been reported to the ClinVar database. This variant causes a frameshift starting with codon Arginine 190, changes this amino acid to Glycine residue, and creates a premature Stop codon at position 12 of the new reading frame, denoted p.Arg190GlyfsTer12. This variant is predicted to cause loss of normal protein function through protein truncation. Loss of function variants have been previously reported to be disease causing. For these reasons, this variant has been classified as Likely Pathogenic.